The following is an entry in ClinVar:

NM_006231.4(POLE):c.1498C>G (p.Leu500Val)

Gene: POLE (DNA polymerase epsilon, catalytic subunit; minus strand). Cytogenetic location: 12q24.33.
Variant type: single nucleotide variant.
Coding change: c.1498C>G on transcript NM_006231.4 (MANE Select); coding-DNA position 1498, C replaced by G.
Protein change: p.Leu500Val; replaces leucine 500 with valine.
Molecular consequence: missense variant.
Genome position (GRCh38, 1-based): chr12:132,672,815, G>C on the plus strand (C>G on the coding strand, the complement: POLE is on the minus strand). VCF-style: chr12-132672815-G-C. GRCh37 (hg19) VCF-style: chr12-133249401-G-C.
Other names: short protein forms L500V.
Identifiers: ClinVar variation 3002776 (VCV003002776.3), dbSNP rs2135994196, ClinGen allele CA387357644.

ClinVar aggregate classification (germline): Uncertain significance (1 of 4 stars; one submission).

Allele frequency attached by ClinVar (database versions not stated): gnomAD exomes below 0.00001.
gnomAD v4.1: 1 of 1,614,162 alleles (0.000062%); highest among the groups gnomAD compares: East Asian, 0.0022%; no homozygotes.

Submission:

Labcorp Genetics (formerly Invitae), Labcorp
Classification: Uncertain significance. Last evaluated: 2025-07-05. Review status: criteria provided, single submitter. Criteria: Invitae Variant Classification Sherloc (09022015). Collection method: clinical testing. Allele origin: germline.
Comment: This sequence change replaces leucine, which is neutral and non-polar, with valine, which is neutral and non-polar, at codon 500 of the POLE protein (p.Leu500Val). This variant is not present in population databases (gnomAD no frequency). This variant has not been reported in the literature in individuals affected with POLE-related conditions. ClinVar contains an entry for this variant (Variation ID: 3002776). Invitae Evidence Modeling of protein sequence and biophysical properties (such as structural, functional, and spatial information, amino acid conservation, physicochemical variation, residue mobility, and thermodynamic stability) indicates that this missense variant is expected to disrupt POLE protein function with a positive predictive value of 80%. In summary, the available evidence is currently insufficient to determine the role of this variant in disease. Therefore, it has been classified as a Variant of Uncertain Significance.